The following is an entry in ClinVar:

ClinVar aggregate classification (germline): Likely benign. Review status: criteria provided, multiple submitters, no conflicts (2 of 4 stars). 7 submissions from 7 submitters: Likely benign (7). Last evaluated 2025-10-21.

Conditions:
Familial thoracic aortic aneurysm and aortic dissection (TAAD). Also called: Thoracic aortic aneurysms and dissections. Identifiers: Orphanet 91387, MedGen C4707243, MONDO:0019625.
Aortic aneurysm, familial thoracic 4 (AAT4). Also called: AORTIC ANEURYSM/AORTIC DISSECTION AND PATENT DUCTUS ARTERIOSUS. Identifiers: MedGen C1851504, MONDO:0007568, OMIM 132900.

Allele frequency attached by ClinVar (database versions not stated): gnomAD 0.00001; ExAC 0.00002; gnomAD exomes 0.00002; TOPMed 0.00002.
gnomAD v4.1: 33 of 1,612,018 alleles (0.002%); highest among the groups gnomAD compares: East Asian, 0.025%; no homozygotes.

Submissions (7):

Women's Health and Genetics/Laboratory Corporation of America, LabCorp
Classification: Likely benign. Last evaluated: 2025-10-21. Review status: criteria provided, single submitter. Criteria: LabCorp Variant Classification Summary - May 2015. Collection method: clinical testing. Allele origin: germline.

Labcorp Genetics (formerly Invitae), Labcorp
Classification: Likely benign for Aortic aneurysm, familial thoracic 4. Last evaluated: 2025-03-11. Review status: criteria provided, single submitter. Criteria: Invitae Variant Classification Sherloc (09022015). Collection method: clinical testing. Allele origin: germline.

All of Us Research Program, National Institutes of Health
Classification: Likely benign for Familial thoracic aortic aneurysm and aortic dissection. Last evaluated: 2023-12-01. Review status: criteria provided, single submitter. Criteria: ACMG Guidelines, 2015. Collection method: clinical testing. Allele origin: germline. Inheritance: Autosomal dominant inheritance. Observed: 7 variant alleles, 7 heterozygotes.
Comment: This study involves interpretation of variants in research participants for the purpose of population health screening. Participant phenotype was not available at the time of variant classification. Additional details can be found in publication PMID: 35346344, PMCID: PMC8962531

Ambry Genetics
Classification: Likely benign for Familial thoracic aortic aneurysm and aortic dissection. Last evaluated: 2021-06-23. Review status: criteria provided, single submitter. Criteria: Ambry Variant Classification Scheme 2023. Collection method: clinical testing. Allele origin: germline.

CeGaT Center for Human Genetics Tuebingen
Classification: Likely benign. Last evaluated: 2021-06-01. Review status: criteria provided, single submitter. Criteria: CeGaT Center For Human Genetics Tuebingen Variant Classification Criteria Version 2. Collection method: clinical testing. Allele origin: germline. Affected: yes. Observed: 1 variant allele.

Color Diagnostics, LLC DBA Color Health
Classification: Likely benign for Familial thoracic aortic aneurysm and aortic dissection. Last evaluated: 2020-11-02. Review status: criteria provided, single submitter. Criteria: ACMG Guidelines, 2015. Collection method: clinical testing. Allele origin: germline.

GeneDx
Classification: Likely benign. Last evaluated: 2020-07-30. Review status: criteria provided, single submitter. Criteria: GeneDx Variant Classification Process June 2021. Collection method: clinical testing. Allele origin: germline. Affected: yes.

NM_002474.3(MYH11):c.2742G>A (p.Ala914=)

Gene: MYH11 (myosin heavy chain 11; minus strand). Cytogenetic location: 16p13.11.
Variant type: single nucleotide variant.
Coding change: c.2742G>A on transcript NM_002474.3 (MANE Select); coding-DNA position 2742, G replaced by A.
Protein change: p.Ala914=; no amino-acid change (alanine 914 retained).
Molecular consequence: synonymous variant.
Genome position (GRCh38, 1-based): chr16:15,741,580, C>T on the plus strand (G>A on the coding strand, the complement: MYH11 is on the minus strand). VCF-style: chr16-15741580-C-T. GRCh37 (hg19) VCF-style: chr16-15835437-C-T.
Other names: c.2763G>A, p.Ala921= (NM_001040113.2, NM_001040114.2); c.2742G>A, p.Ala914= (NM_022844.3).
Identifiers: ClinVar variation 380962 (VCV000380962.51), dbSNP rs749394349, ClinGen allele CA7922177.